The following is an entry in ClinVar:

NM_007078.3(LDB3):c.91C>T (p.Arg31Trp)

Gene: LDB3 (LIM domain binding 3; plus strand). Cytogenetic location: 10q23.2.
Variant type: single nucleotide variant.
Coding change: c.91C>T on transcript NM_007078.3 (MANE Select); coding-DNA position 91, C replaced by T.
Protein change: p.Arg31Trp; replaces arginine 31 with tryptophan.
Molecular consequence: missense variant.
Genome position (GRCh38, 1-based): chr10:86,668,782, C>T. VCF-style: chr10-86668782-C-T. GRCh37 (hg19) VCF-style: chr10-88428539-C-T.
Other names: p.R31W:CGG>TGG; c.91C>T, p.Arg31Trp (NM_001080116.1, NM_001080114.2, NM_001080115.2 and 8 more transcripts); short protein forms R31W.
Identifiers: ClinVar variation 201857 (VCV000201857.20), dbSNP rs367792378, ClinGen allele CA308659.

ClinVar aggregate classification (germline): Uncertain significance. Review status: criteria provided, multiple submitters, no conflicts (2 of 4 stars). 10 submissions from 10 submitters: Uncertain significance (7). 3 of the submissions do not count toward it. Last evaluated 2025-12-08.

Conditions:
Cardiovascular phenotype. Identifiers: MedGen CN230736.
Primary dilated cardiomyopathy (DCM). Also called: Dilated Cardiomyopathy. Identifiers: Orphanet 217604, MedGen C0007193, MeSH D002311, MONDO:0005021, HP:0001644. Inheritance: Various modes of inheritance.
Myofibrillar myopathy 4. Also called: Zaspopathy (type). Identifiers: Orphanet 98912, MedGen C4721886, MONDO:0012277, OMIM 609452.
Hypertrophic cardiomyopathy. Also called: HYPERTROPHIC MYOCARDIOPATHY. Identifiers: Orphanet 217569, MedGen C0007194, MeSH D002312, MONDO:0005045, HP:0001639.

Allele frequency attached by ClinVar (database versions not stated): gnomAD 0.00001; TOPMed 0.00002; ExAC 0.00006; ESP Exome Variant Server 0.00008.
gnomAD v4.1: 49 of 1,611,606 alleles (0.003%); highest among the groups gnomAD compares: South Asian, 0.031%; no homozygotes.

Submissions (10):

Labcorp Genetics (formerly Invitae), Labcorp
Classification: Uncertain significance for Myofibrillar myopathy 4. Last evaluated: 2025-12-08. Review status: criteria provided, single submitter. Criteria: Invitae Variant Classification Sherloc (09022015). Collection method: clinical testing. Allele origin: germline.
Comment: This sequence change replaces arginine, which is basic and polar, with tryptophan, which is neutral and slightly polar, at codon 31 of the LDB3 protein (p.Arg31Trp). This variant is present in population databases (rs367792378, gnomAD 0.03%). This variant has not been reported in the literature in individuals affected with LDB3-related conditions. ClinVar contains an entry for this variant (Variation ID: 201857). An algorithm developed to predict the effect of missense changes on protein structure and function (PolyPhen-2) suggests that this variant is likely to be disruptive. In summary, the available evidence is currently insufficient to determine the role of this variant in disease. Therefore, it has been classified as a Variant of Uncertain Significance.

Revvity Omics, Revvity
Classification: Uncertain significance. Last evaluated: 2024-11-12. Review status: criteria provided, single submitter. Criteria: ACMG Guidelines, 2015. Collection method: clinical testing. Allele origin: germline.

Ambry Genetics
Classification: Uncertain significance for Cardiovascular phenotype. Last evaluated: 2024-01-25. Review status: criteria provided, single submitter. Criteria: Ambry Variant Classification Scheme 2023. Collection method: clinical testing. Allele origin: germline.
Comment: The p.R31W variant (also known as c.91C>T), located in coding exon 1 of the LDB3 gene, results from a C to T substitution at nucleotide position 91. The arginine at codon 31 is replaced by tryptophan, an amino acid with dissimilar properties. This alteration has been reported in cardiomyopathy cohorts; however, clinical details were limited and additional alterations in other cardiac-related genes were identified (Robyns T et al. Eur J Hum Genet, 2017 Dec;25:1313-1323; Boen HM et al. J Heart Lung Transplant, 2022 Sep;41:1218-1227). This amino acid position is highly conserved in available vertebrate species. In addition, the in silico prediction for this alteration is inconclusive. Based on the available evidence, the clinical significance of this alteration remains unclear.

Women's Health and Genetics/Laboratory Corporation of America, LabCorp
Classification: Uncertain significance. Last evaluated: 2021-03-15. Review status: criteria provided, single submitter. Criteria: LabCorp Variant Classification Summary - May 2015. Collection method: clinical testing. Allele origin: germline.
Comment: Variant summary: LDB3 c.91C>T (p.Arg31Trp) results in a non-conservative amino acid change located in the PDZ domain (IPR001478) of the encoded protein sequence. Four of five in-silico tools predict a damaging effect of the variant on protein function. The variant allele was found at a frequency of 4.8e-05 in 249228 control chromosomes, predominantly at a frequency of 0.00029 within the South Asian subpopulation in the gnomAD database. The available data on variant occurrences in the general population are insufficient to allow any conclusion about variant significance. To our knowledge, no occurrence of c.91C>T in individuals affected with Cardiomyopathy and no experimental evidence demonstrating its impact on protein function have been reported. Three clinical diagnostic laboratories have submitted clinical-significance assessments for this variant to ClinVar after 2014 without evidence for independent evaluation. All laboratories cited the variant as uncertain significance. Based on the evidence outlined above, the variant was classified as uncertain significance.

Loeys Lab, Universiteit Antwerpen
Classification: Uncertain significance for Primary dilated cardiomyopathy. Last evaluated: 2021-02-26. Review status: criteria provided, single submitter. Criteria: ACMG Guidelines, 2015. Collection method: clinical testing. Allele origin: somatic. Affected: yes. Observed: 4 variant alleles, 4 heterozygotes.
Comment: This sequence change results in a missense variant in the LDB3 gene (p.(Arg31Trp)). This variant is present in population databases with a prevalence of 12/244674 in GnomAD. This variant has not been reported in the literature and no functional data are available. Prediction programs predict the variant to be pathogenic ( Align GVGD: pathogenic, C65; Polyphen-2-HumDiv probably damaging; Polyphen-2-HumVar probably damaging; SIFT deleterious, MutationTaster: disease causing; PP3). The variant affects a low conserved nucleotide and a highly conserved amino acid. We identified this variant in 2 unrelated patients with HCM, A patients with DCM and a patient with possible ARVC. In conclusion this variant was classified as a variant of unknown significance according to ACMG-guidelines (insufficient data, criteria for other classification are not met: PP3).

Center for Human Genetics, University of Leuven
Classification: Uncertain significance for Hypertrophic cardiomyopathy. Last evaluated: 2017-04-30. Review status: criteria provided, single submitter. Criteria: ACMG Guidelines, 2015. Collection method: clinical testing. Allele origin: germline. Inheritance: Autosomal dominant inheritance. Affected: yes.

GeneDx
Classification: Uncertain significance. Last evaluated: 2016-12-16. Review status: criteria provided, single submitter. Criteria: GeneDx Variant Classification (06012015). Collection method: clinical testing. Allele origin: germline. Affected: yes.
Comment: p.Arg31Trp (R31W) CGG>TGG: c.91 C>T in exon 1 of the LDB3 gene (NM_007078.2). The R31W variant in the LDB3 gene has not been published as a disease-causing mutation or a benign polymorphism to our knowledge. The R31W variant was not observed with any significant frequency in approximately 6,500 individuals of European and African American ancestry in the NHLBI Exome Sequencing Project. The R31W variant is a non-conservative amino acid substitution, which is likely to impact secondary protein structure as these residues differ in polarity, charge, size and/or other properties. This substitution occurs at a position that is conserved in mammals. In silico analysis predicts this variant is probably damaging to the protein structure/function (Adzhubei I et al., 2010; Schwarz J et al., 2011). Nevertheless, no missense mutations in nearby residues have been reported in association with cardiomyopathy, indicating this region of the protein may be tolerant of change. Therefore, based on the currently available information, it is unclear whether this variant is a pathogenic mutation or a rare benign variant. The variant is found in DCM panel(s).

Clinical Genetics DNA and cytogenetics Diagnostics Lab, Erasmus MC, Erasmus Medical Center
Classification: Uncertain significance. Review status: no assertion criteria provided. Collection method: clinical testing. Allele origin: germline. Affected: yes. Study: VKGL Data-share Consensus. Not counted in ClinVar's aggregate classification.

Clinical Genetics, Academic Medical Center
Classification: Uncertain significance. Review status: no assertion criteria provided. Collection method: clinical testing. Allele origin: germline. Affected: yes. Study: VKGL Data-share Consensus. Not counted in ClinVar's aggregate classification.

Joint Genome Diagnostic Labs from Nijmegen and Maastricht, Radboudumc and MUMC+
Classification: Uncertain significance. Review status: no assertion criteria provided. Collection method: clinical testing. Allele origin: germline. Affected: yes. Study: VKGL Data-share Consensus. Not counted in ClinVar's aggregate classification.

Literature cited by the submitters: PubMed 29255176 (cited by Ambry Genetics); PubMed 35581137 (cited by Ambry Genetics).